The following is an entry in ClinVar:

ClinVar aggregate classification (germline): Uncertain significance (1 of 4 stars; one submission).

Conditions:
Breast-ovarian cancer, familial, susceptibility to, 4. Identifiers: Orphanet 145, MedGen C3280345, MONDO:0013669, OMIM 614291.

Submission:

Labcorp Genetics (formerly Invitae), Labcorp
Classification: Uncertain significance for Breast-ovarian cancer, familial 4. Last evaluated: 2018-02-13. Review status: criteria provided, single submitter. Criteria: Invitae Variant Classification Sherloc (09022015). Collection method: clinical testing. Allele origin: germline.
Comment: A gross duplication of the genomic region encompassing the full coding sequence of the RAD51D gene has been identified. The boundaries of this event are unknown as the duplication extends beyond the assayed region for this gene and therefore may encompass additional genes. As the precise location of this duplication is unknown, it may be in tandem or it may be located elsewhere in the genome. This variant has not been reported in the literature in individuals with RAD51D-related disease. In summary, the available evidence is currently insufficient to determine the role of this variant in disease. Therefore, it has been classified as a Variant of Uncertain Significance.

NC_000017.10:g.(?_33427966)_(33446638_?)dup

Genes: RAD51D (RAD51 paralog D; minus strand), RAD51L3-RFFL (RAD51L3-RFFL readthrough; minus strand). Cytogenetic location: 17q12.
Variant type: Duplication.
Identifiers: ClinVar variation 584229 (VCV000584229.1).